The following is an entry in ClinVar:

ClinVar aggregate classification (germline): Uncertain significance (1 of 4 stars; one submission).

Submission:

Dasa
Classification: Uncertain significance. Last evaluated: 2025-05-28. Review status: criteria provided, single submitter. Criteria: DASA Assertion Criteria. Collection method: clinical testing. Allele origin: germline.
Comment: NM_024426.6(WT1):c.178G>A (p.Gly60Ser) is a missense variant that results in the substitution of glycine with serine. This variant is absent from population databases. Computational prediction algorithms are consistent with a benign effect. The currently available literature and clinical evidence are not sufficient to establish a definitive association between this variant and the reported condition. Therefore, this variant is classified as a variant of uncertain significance.

NM_024426.6(WT1):c.178G>A (p.Gly60Ser)

Genes: WT1 (WT1 transcription factor; minus strand), LOC107982234 (WT1/WT1-AS bi-directional promoter region; plus strand). Cytogenetic location: 11p13.
Variant type: single nucleotide variant.
Coding change: c.178G>A on transcript NM_024426.6 (MANE Select); coding-DNA position 178, G replaced by A.
Protein change: p.Gly60Ser; replaces glycine 60 with serine.
Molecular consequence: missense variant. On other transcripts: 5 prime UTR variant (4), non-coding transcript variant (2).
Genome position (GRCh38, 1-based): chr11:32,435,183, C>T on the plus strand (G>A on the coding strand, the complement: WT1 is on the minus strand). VCF-style: chr11-32435183-C-T. GRCh37 (hg19) VCF-style: chr11-32456729-C-T.
Other names: c.178G>A, p.Gly60Ser (NM_000378.6, NM_001407044.1, NM_001407045.1 and 6 more transcripts); c.-42G>A (NM_001429031.1, NM_001429032.1, NM_001429033.1 and 1 more transcripts); short protein forms G55S, G60S.
Identifiers: ClinVar variation 5020947 (VCV005020947.1).